The following is an entry in ClinVar:

NM_152564.5(VPS13B):c.11745+4C>T

Gene: VPS13B (vacuolar protein sorting 13 homolog B; plus strand). Cytogenetic location: 8q22.2.
Variant type: single nucleotide variant.
Coding change: c.11745+4C>T on transcript NM_152564.5 (MANE Select); 4 bases into the intron after coding-DNA position 11745, C replaced by T.
Molecular consequence: intron variant.
Genome position (GRCh38, 1-based): chr8:99,871,701, C>T. VCF-style: chr8-99871701-C-T. GRCh37 (hg19) VCF-style: chr8-100883929-C-T.
Other names: c.11820+4C>T (NM_017890.5); c.11745+4C>T (NM_152564.4).
Identifiers: ClinVar variation 445385 (VCV000445385.4), dbSNP rs751045565, ClinGen allele CA4825312.

ClinVar aggregate classification (germline): Conflicting classifications of pathogenicity. Review status: criteria provided, conflicting classifications (1 of 4 stars). 3 submissions from 3 submitters: Uncertain significance (1); Likely benign (1). 1 of the submissions does not count toward it. Last evaluated 2024-12-13.

Conditions:
VPS13B-related disorder. Also called: VPS13B-related condition.
Cohen syndrome (COH1). Also called: PEPPER SYNDROME; Cutis verticis gyrata, retinitis pigmentosa, and sensorineural deafness. Identifiers: Orphanet 193, MedGen C0265223, MONDO:0008999, OMIM 216550.

Allele frequency attached by ClinVar (database versions not stated): gnomAD 0.00001; gnomAD exomes 0.00001 and 0.00002; ExAC 0.00002; TOPMed 0.00002.
gnomAD v4.1: 15 of 1,613,172 alleles (0.00093%); highest among the groups gnomAD compares: Admixed American, 0.01%; no homozygotes.

Submissions (3):

PreventionGenetics, part of Exact Sciences
Classification: Likely benign for VPS13B-related condition. Last evaluated: 2024-12-13. Review status: criteria provided, single submitter. Criteria: ACMG Guidelines, 2015. Collection method: clinical testing. Allele origin: germline.
Comment: This variant is classified as likely benign based on ACMG/AMP sequence variant interpretation guidelines (Richards et al. 2015 PMID: 25741868, with internal and published modifications).

Center for Pediatric Genomic Medicine, Children's Mercy Hospital and Clinics
Classification: Uncertain significance. Last evaluated: 2017-05-19. Review status: criteria provided, single submitter. Criteria: ACMG Guidelines, 2015. Collection method: clinical testing. Allele origin: germline.

Natera, Inc.
Classification: Uncertain significance for Cohen syndrome. Last evaluated: 2019-11-11. Review status: no assertion criteria provided. Collection method: clinical testing. Allele origin: germline. Not counted in ClinVar's aggregate classification.